The following is an entry in ClinVar:

NM_006009.4(TUBA1A):c.797A>G (p.His266Arg)

Gene: TUBA1A (tubulin alpha 1a; minus strand). Cytogenetic location: 12q13.12.
Variant type: single nucleotide variant.
Coding change: c.797A>G on transcript NM_006009.4 (MANE Select); coding-DNA position 797, A replaced by G.
Protein change: p.His266Arg; replaces histidine 266 with arginine.
Molecular consequence: missense variant.
Genome position (GRCh38, 1-based): chr12:49,185,569, T>C on the plus strand (A>G on the coding strand, the complement: TUBA1A is on the minus strand). VCF-style: chr12-49185569-T-C. GRCh37 (hg19) VCF-style: chr12-49579352-T-C.
Other names: c.797A>G, p.His266Arg (NM_001270399.2); c.692A>G, p.His231Arg (NM_001270400.2); short protein forms H231R, H266R.
Identifiers: ClinVar variation 4279683 (VCV004279683.1).

ClinVar aggregate classification (germline): Likely pathogenic (1 of 4 stars; one submission).

Conditions:
Lissencephaly due to TUBA1A mutation (CDCBM16). Also called: CORTICAL DYSPLASIA, COMPLEX, WITH OTHER BRAIN MALFORMATIONS 16; Lissencephaly 3. Identifiers: Orphanet 171680, MedGen C4305153, MONDO:0012703, OMIM 611603.

Submission:

Daryl Scott Lab, Baylor College of Medicine
Classification: Likely pathogenic for Lissencephaly due to TUBA1A mutation. Last evaluated: 2025-08-25. Review status: criteria provided, single submitter. Criteria: ACMG Guidelines, 2015. Collection method: clinical testing. Allele origin: de novo. Affected: yes. Observed: 1 heterozygote.
Comment: PS2, PM2